The following is an entry in ClinVar:

ClinVar aggregate classification (germline): Uncertain significance (1 of 4 stars; one submission).

Submission:

CeGaT Center for Human Genetics Tuebingen
Classification: Uncertain significance. Last evaluated: 2025-02-01. Review status: criteria provided, single submitter. Criteria: CeGaT Center For Human Genetics Tuebingen Variant Classification Criteria Version 2. Collection method: clinical testing. Allele origin: germline. Affected: yes. Observed: 1 variant allele.
Comment: IL17REL: PM2

NM_001371417.1(IL17REL):c.1258-1G>A

Gene: IL17REL (interleukin 17 receptor E like; minus strand). Cytogenetic location: 22q13.33.
Variant type: single nucleotide variant.
Coding change: c.1258-1G>A on transcript NM_001371417.1 (MANE Select); the canonical splice acceptor site of the intron before coding-DNA position 1258, G replaced by A.
Molecular consequence: splice acceptor variant.
Genome position (GRCh38, 1-based): chr22:49,997,075, C>T on the plus strand (G>A on the coding strand, the complement: IL17REL is on the minus strand). VCF-style: chr22-49997075-C-T. GRCh37 (hg19) VCF-style: chr22-50435504-C-T.
Other names: c.1191-1G>A (NM_001371416.1); c.975-1G>A (NM_001001694.3).
Identifiers: ClinVar variation 3771912 (VCV003771912.13).
Genomic context (GRCh38, chr22:49,997,075, plus strand): 5'-ACAGGCCTCCTCCCTGGGAAGGTCTAGGAAGGCAAAAGCAGGGGCGGCTGCCAGGTCACC[C>T]TGGGTGGGGGAGGGCAGGTCACAGGCAATGGGAGGAAGGGTGGATCAGGCTAAACACTGT-3'